The following is an entry in ClinVar:

NM_145262.4(GLYCTK):c.79C>T (p.Arg27Cys)

Gene: GLYCTK (glycerate kinase; plus strand). Cytogenetic location: 3p21.2.
Variant type: single nucleotide variant.
Coding change: c.79C>T on transcript NM_145262.4 (MANE Select); coding-DNA position 79, C replaced by T.
Protein change: p.Arg27Cys; replaces arginine 27 with cysteine.
Molecular consequence: missense variant. On other transcripts: non-coding transcript variant (3).
Genome position (GRCh38, 1-based): chr3:52,290,421, C>T. VCF-style: chr3-52290421-C-T. GRCh37 (hg19) VCF-style: chr3-52324437-C-T.
Other names: c.79C>T, p.Arg27Cys (NM_001144951.2); short protein forms R27C.
Identifiers: ClinVar variation 727443 (VCV000727443.33), dbSNP rs34502608, ClinGen allele CA2431988.
Genomic context (GRCh38, chr3:52,290,421, plus strand): 5'-GTCCTGCCCCGCTTGGCCCGAGCCCCCTTGCATCCACTCCTCTGGCGGGGCTCAGTGGCC[C>T]GTCTGGCCAGCAGCATGGCCTTGGCAGAGCAGGCCAGGCAGCTGTTTGAGAGTGCTGTAG-3'
Protein context (NP_660305.2, residues 17-37): HPLLWRGSVA[Arg27Cys]LASSMALAEQ

ClinVar aggregate classification (germline): Benign. Review status: criteria provided, multiple submitters, no conflicts (2 of 4 stars). 3 submissions from 3 submitters: Benign (3). Last evaluated 2025-12-21.

Allele frequency attached by ClinVar (database versions not stated): gnomAD exomes 0.00040 and 0.00084; ExAC 0.00096; 1000 Genomes Project 0.00260; 1000 Genomes Project 30x 0.00265; ESP Exome Variant Server 0.00327; gnomAD 0.00362 and 0.00394; TOPMed 0.00417.

Submissions (3):

Labcorp Genetics (formerly Invitae), Labcorp
Classification: Benign. Last evaluated: 2025-12-21. Review status: criteria provided, single submitter. Criteria: Invitae Variant Classification Sherloc (09022015). Collection method: clinical testing. Allele origin: germline.

CeGaT Center for Human Genetics Tuebingen
Classification: Benign. Last evaluated: 2023-07-01. Review status: criteria provided, single submitter. Criteria: CeGaT Center For Human Genetics Tuebingen Variant Classification Criteria Version 2. Collection method: clinical testing. Allele origin: germline. Affected: yes. Observed: 1 variant allele.
Comment: GLYCTK: BS1, BS2

Breakthrough Genomics
Classification: Benign. Review status: criteria provided, single submitter. Criteria: ACMG Guidelines, 2015. Collection method: not provided. Allele origin: germline. Inheritance: Autosomal recessive inheritance. Affected: yes.